The following is an entry in ClinVar:

ClinVar aggregate classification (germline): Uncertain significance. Review status: criteria provided, multiple submitters, no conflicts (2 of 4 stars). 2 submissions from 2 submitters: Uncertain significance (2). Last evaluated 2025-04-24.

Conditions:
Hereditary cancer-predisposing syndrome. Also called: Tumor predisposition; Neoplastic Syndromes, Hereditary; Hereditary neoplastic syndrome; Hereditary Cancer Syndrome. Identifiers: Orphanet 140162, MedGen C0027672, MeSH D009386, MONDO:0015356.

Allele frequency attached by ClinVar (database versions not stated): gnomAD exomes below 0.00001; ExAC 0.00001.

Submissions (2):

Ambry Genetics
Classification: Uncertain significance for Hereditary cancer-predisposing syndrome. Last evaluated: 2025-04-24. Review status: criteria provided, single submitter. Criteria: Ambry Variant Classification Scheme 2023. Collection method: clinical testing. Allele origin: germline.
Comment: The p.V323L variant (also known as c.967G>T), located in coding exon 7 of the RAD50 gene, results from a G to T substitution at nucleotide position 967. The valine at codon 323 is replaced by leucine, an amino acid with highly similar properties. This amino acid position is conserved. In addition, this alteration is predicted to be tolerated by in silico analysis. Since supporting evidence is limited at this time, the clinical significance of this alteration remains unclear.

Labcorp Genetics (formerly Invitae), Labcorp
Classification: Uncertain significance for Hereditary cancer-predisposing syndrome. Last evaluated: 2023-05-22. Review status: criteria provided, single submitter. Criteria: Invitae Variant Classification Sherloc (09022015). Collection method: clinical testing. Allele origin: germline.
Comment: In summary, the available evidence is currently insufficient to determine the role of this variant in disease. Therefore, it has been classified as a Variant of Uncertain Significance. Advanced modeling of protein sequence and biophysical properties (such as structural, functional, and spatial information, amino acid conservation, physicochemical variation, residue mobility, and thermodynamic stability) performed at Invitae indicates that this missense variant is not expected to disrupt RAD50 protein function. ClinVar contains an entry for this variant (Variation ID: 848595). This variant has not been reported in the literature in individuals affected with RAD50-related conditions. This variant is present in population databases (rs769084133, gnomAD 0.0009%). This sequence change replaces valine, which is neutral and non-polar, with leucine, which is neutral and non-polar, at codon 323 of the RAD50 protein (p.Val323Leu).

NM_005732.4(RAD50):c.967G>T (p.Val323Leu)

Gene: RAD50 (RAD50 double strand break repair protein; plus strand). Cytogenetic location: 5q31.1.
Variant type: single nucleotide variant.
Coding change: c.967G>T on transcript NM_005732.4 (MANE Select); coding-DNA position 967, G replaced by T.
Protein change: p.Val323Leu; replaces valine 323 with leucine.
Molecular consequence: missense variant.
Genome position (GRCh38, 1-based): chr5:132,588,005, G>T. VCF-style: chr5-132588005-G-T. GRCh37 (hg19) VCF-style: chr5-131923697-G-T.
Other names: short protein forms V323L.
Identifiers: ClinVar variation 848595 (VCV000848595.13), dbSNP rs769084133, ClinGen allele CA3405068.